The following is an entry in ClinVar:

ClinVar aggregate classification (germline): Uncertain significance (1 of 4 stars; one submission).

Allele frequency attached by ClinVar (database versions not stated): ExAC 0.00001; TOPMed 0.00002; gnomAD 0.00003.
gnomAD v4.1: 21 of 1,613,124 alleles (0.0013%); highest among the groups gnomAD compares: East Asian, 0.0067%; no homozygotes.

Submission:

Labcorp Genetics (formerly Invitae), Labcorp
Classification: Uncertain significance. Last evaluated: 2023-05-08. Review status: criteria provided, single submitter. Criteria: Invitae Variant Classification Sherloc (09022015). Collection method: clinical testing. Allele origin: germline.
Comment: This variant has not been reported in the literature in individuals affected with POLR3B-related conditions. This sequence change replaces arginine, which is basic and polar, with glutamine, which is neutral and polar, at codon 560 of the POLR3B protein (p.Arg560Gln). This variant is present in population databases (rs779858391, gnomAD 0.004%). ClinVar contains an entry for this variant (Variation ID: 1908158). Advanced modeling of protein sequence and biophysical properties (such as structural, functional, and spatial information, amino acid conservation, physicochemical variation, residue mobility, and thermodynamic stability) performed at Invitae indicates that this missense variant is not expected to disrupt POLR3B protein function. In summary, the available evidence is currently insufficient to determine the role of this variant in disease. Therefore, it has been classified as a Variant of Uncertain Significance.

NM_018082.6(POLR3B):c.1679G>A (p.Arg560Gln)

Gene: POLR3B (RNA polymerase III subunit B; plus strand). Cytogenetic location: 12q23.3.
Variant type: single nucleotide variant.
Coding change: c.1679G>A on transcript NM_018082.6 (MANE Select); coding-DNA position 1679, G replaced by A.
Protein change: p.Arg560Gln; replaces arginine 560 with glutamine.
Molecular consequence: missense variant.
Genome position (GRCh38, 1-based): chr12:106,433,770, G>A. VCF-style: chr12-106433770-G-A. GRCh37 (hg19) VCF-style: chr12-106827548-G-A.
Other names: c.1505G>A, p.Arg502Gln (NM_001160708.2); short protein forms R560Q, R502Q.
Identifiers: ClinVar variation 1908158 (VCV001908158.5), dbSNP rs779858391, ClinGen allele CA6761993.